The following is an entry in ClinVar:

NM_014874.4(MFN2):c.1126A>G (p.Met376Val)

Gene: MFN2 (mitofusin 2; plus strand). Cytogenetic location: 1p36.22.
Variant type: single nucleotide variant.
Coding change: c.1126A>G on transcript NM_014874.4 (MANE Select); coding-DNA position 1126, A replaced by G.
Protein change: p.Met376Val; replaces methionine 376 with valine.
Molecular consequence: missense variant.
Genome position (GRCh38, 1-based): chr1:12,002,069, A>G. VCF-style: chr1-12002069-A-G. GRCh37 (hg19) VCF-style: chr1-12062126-A-G.
Other names: c.1126A>G, p.Met376Val (NM_001127660.2); short protein forms M376V.
Identifiers: ClinVar variation 217161 (VCV000217161.30), dbSNP rs863224967, ClinGen allele CA279087.
Genomic context (GRCh38, chr1:12,002,069, plus strand): 5'-ACCAAGTTTGAGCAGCACACGGTCCGGGCCAAGCAGATTGCAGAGGCGGTTCGACTCATC[A>G]TGGACTCCCTGCACATGGCGGCTCGGGAGCAGCAGTAAGAGTCCAAGACTGCAGATAGGT-3'
Protein context (NP_055689.1, residues 366-386): KQIAEAVRLI[Met376Val]DSLHMAAREQ

ClinVar aggregate classification (germline): Pathogenic/Likely pathogenic. Review status: criteria provided, multiple submitters, no conflicts (2 of 4 stars). 11 submissions from 11 submitters: Pathogenic (8); Likely pathogenic (2). 1 of the submissions does not count toward it. Last evaluated 2026-09-02.

Conditions:
Hereditary neuropathy or pain disorder.
MFN2-related disorder. Also called: MFN2-related condition; MFN2-related disorders.
Inborn genetic diseases. Identifiers: MedGen C0950123, MeSH D030342.
Charcot-Marie-Tooth disease type 2. Also called: Charcot-Marie-Tooth type 2. Identifiers: Orphanet 64746, MedGen C0270914, MONDO:0018993.
Charcot-Marie-Tooth disease type 2A2. Also called: CHARCOT-MARIE-TOOTH DISEASE, AXONAL, AUTOSOMAL DOMINANT, TYPE 2A2A; CHARCOT-MARIE-TOOTH DISEASE, NEURONAL, TYPE 2A2; CHARCOT-MARIE-TOOTH DISEASE, AXONAL, TYPE 2A2; HEREDITARY MOTOR AND SENSORY NEUROPATHY IIA2; HMSN IIA2; Charcot-Marie-Tooth Neuropathy Type 2A2. Identifiers: Orphanet 99947, MedGen C4721887, MONDO:0012231, OMIM 609260.
Hereditary motor and sensory neuropathy with optic atrophy. Also called: CHARCOT-MARIE-TOOTH DISEASE, TYPE 6; PERIPHERAL NEUROPATHY AND OPTIC ATROPHY. Identifiers: Orphanet 90120, MedGen C0393807, MONDO:0019551.

Submissions (11):

GeneDx
Classification: Pathogenic. Last evaluated: 2026-09-02. Review status: criteria provided, single submitter. Criteria: GeneDx Variant Classification Process June 2021. Collection method: clinical testing. Allele origin: germline.
Comment: Published functional studies demonstrate that M376V alters mitochondrial structure and function (PMID: 42248856); In silico analysis suggests that this missense variant does not alter protein structure/function; Not observed at significant frequency in large population cohorts (gnomAD); This variant is associated with the following publications: (PMID: 22926664, 22492563, 23381770, 26801520, 24473995, 34758253, 37910431, Lagos2021[Abstract], 34255403, 26094742, 30649465, 38549004, 22851605, 34721278, 39973457, 39843441, 42248856, 40571342, 39284622, 19889647, 40121276, 28251916)

NHS Central & South Genomic Laboratory Hub
Classification: Likely pathogenic for Hereditary neuropathy or pain disorder. Last evaluated: 2025-10-21. Review status: criteria provided, single submitter. Criteria: ACMG Guidelines, 2015. Collection method: clinical testing. Allele origin: germline. Affected: yes.

Labcorp Genetics (formerly Invitae), Labcorp
Classification: Pathogenic for Charcot-Marie-Tooth disease type 2. Last evaluated: 2025-07-31. Review status: criteria provided, single submitter. Criteria: Invitae Variant Classification Sherloc (09022015). Collection method: clinical testing. Allele origin: germline.
Comment: This sequence change replaces methionine, which is neutral and non-polar, with valine, which is neutral and non-polar, at codon 376 of the MFN2 protein (p.Met376Val). This variant is not present in population databases (gnomAD no frequency). This missense change has been observed in individuals with autosomal dominant Charcot-Marie-Tooth disease (PMID: 19889647, 22492563, 22851605, 22926664, 24473995, 26801520, 28251916). ClinVar contains an entry for this variant (Variation ID: 217161). Invitae Evidence Modeling of protein sequence and biophysical properties (such as structural, functional, and spatial information, amino acid conservation, physicochemical variation, residue mobility, and thermodynamic stability) indicates that this missense variant is expected to disrupt MFN2 protein function with a positive predictive value of 95%. This variant disrupts the p.Met376 amino acid residue in MFN2. Other variant(s) that disrupt this residue have been determined to be pathogenic (PMID: 24957169). This suggests that this residue is clinically significant, and that variants that disrupt this residue are likely to be disease-causing. For these reasons, this variant has been classified as Pathogenic.

MVZ Martinsried, Medicover Genetics
Classification: Pathogenic for Charcot-Marie-Tooth disease type 2A2. Last evaluated: 2025-06-27. Review status: criteria provided, single submitter. Criteria: ACGS Guidelines, 2020. Collection method: clinical testing. Allele origin: unknown. Affected: yes. Observed: 1 heterozygote.

Dasa
Classification: Pathogenic. Last evaluated: 2025-06-19. Review status: criteria provided, single submitter. Criteria: DASA Assertion Criteria. Collection method: clinical testing. Allele origin: germline.
Comment: NM_014874.4(MFN2):c.1126A>G (p.Met376Val) is a missense variant that results in the substitution of methionine with valine. The affected residue or protein region has prior evidence supporting clinical relevance. De novo occurrence has been reported in an individual with related phenotype. This variant has been recurrently observed in individuals with related phenotype (PMID: 28251916; PMID: 19889647; PMID: 30649465; PMID: 22492563; PMID: 22851605). Segregation evidence has been reported in affected families. Multiple computational predictions support a deleterious effect on the gene or gene product. The variant is present at low frequency in population datasets. Based on the available data, this variant is classified as pathogenic.

PreventionGenetics, part of Exact Sciences
Classification: Pathogenic for MFN2-related condition. Last evaluated: 2025-06-05. Review status: criteria provided, single submitter. Criteria: ACMG Guidelines, 2015. Collection method: clinical testing. Allele origin: germline.
Comment: The MFN2 c.1126A>G variant is predicted to result in the amino acid substitution p.Met376Val. This variant was reported in several individuals with autosomal dominant Charcot-Marie-Tooth disease (Casasnovas et al. 2010. PubMed ID: 19889647; Vielhaber et al. 2012. PubMed ID: 22926664; Nightingale et al. 2014. PubMed ID: 24473995) including at least one instance of it occurring de novo in a patient (Table S1, Bansagi et al. 2017. PubMed ID: 28251916). This variant has not been reported in a large population database (gnomAD), indicating this variant is rare. This variant is interpreted as pathogenic for autosomal dominant Charcot-Marie-Tooth disease.

3billion
Classification: Pathogenic for Charcot-Marie-Tooth disease type 2A2. Last evaluated: 2022-03-22. Review status: criteria provided, single submitter. Criteria: ACMG Guidelines, 2015. Collection method: clinical testing. Allele origin: germline. Affected: yes. Observed: 1 heterozygote.
Comment: Same or different nucleotide change resulting in same amino acid change has been previously reported as pathogenic/likely pathogenic with strong evidence (ClinVar ID: VCV000217161). The variant has been observed in multiple (>3) similarly affected unrelated individuals (PMID: 19889647, 22926664, 26801520, 22492563, 22851605, 28251916). Different missense changes at the same codon have been reported to be associated with MFN2 related disorder (PMID:16835246,24957169,16762064). In silico tool predictions suggest damaging effect of the variant on gene or gene product (REVEL: 0.794>=0.6, 3CNET: 0.806>=0.75). A missense variant is a common mechanism. It is not observed in the gnomAD v2.1.1 dataset. Therefore, this variant is classified as pathogenic according to the recommendation of ACMG/AMP guideline.

Athena Diagnostics
Classification: Pathogenic. Last evaluated: 2021-02-05. Review status: criteria provided, single submitter. Criteria: Athena Diagnostics criteria. Collection method: clinical testing. Allele origin: unknown.
Comment: This variant was not reported in large, multi-ethnic, general populations. This variant appears to occur de novo in multiple individuals with clinical features associated with this gene. Assessment of experimental evidence regarding the effect of this variant on protein function is inconclusive. Although there were changes to ER-mitochondrial connectivity and mitochondria-associated ER membranes (MAM) function, this study used patient-derived cells and results could be influenced by factors other than this variant (PMID: 30649465).

Ambry Genetics
Classification: Likely pathogenic for Inborn genetic diseases. Last evaluated: 2019-11-12. Review status: criteria provided, single submitter. Criteria: Ambry Variant Classification Scheme 2023. Collection method: clinical testing. Allele origin: germline.
Comment: The p.M376V variant (also known as c.1126A>G), located in coding exon 9 of the MFN2 gene, results from an A to G substitution at nucleotide position 1126. The methionine at codon 376 is replaced by valine, an amino acid with highly similar properties. This variant has been identified de novo in an individual with MFN2-related neuropathy (Bansagi B et al. Neurology, 2017 Mar;88:1226-1234). This alteration has also been identified in multiple individuals with phenotype consistent with MFN2-related neuropathy (Casasnovas C et al. J. Med. Genet., 2010 Apr;47:249-56; Vielhaber S et al. Acta Neuropathol., 2013 Feb;125:245-56; Nightingale H et al. BMJ, 2014 Jan;348:g459). In addition, this alteration is predicted to be deleterious by in silico analysis. Based on the majority of available evidence to date, this variant is likely to be pathogenic.

Blueprint Genetics
Classification: Pathogenic for MFN2-related disorders. Last evaluated: 2018-07-03. Review status: criteria provided, single submitter. Criteria: ACMG Guidelines, 2015. Collection method: clinical testing. Allele origin: germline. Affected: yes. Observed: 1 variant allele.

Genomics England Pilot Project, Genomics England
Classification: Pathogenic for Neuropathy, hereditary motor and sensory, type 6A. Review status: no assertion criteria provided. Criteria: ACGS Guidelines, 2016. Collection method: clinical testing. Allele origin: germline. Affected: yes. Not counted in ClinVar's aggregate classification.

Literature cited by the submitters: PubMed 19889647 (cited by 5 submitters); PubMed 22492563 (cited by 4 submitters); PubMed 22851605 (cited by 4 submitters); PubMed 22926664 (cited by 5 submitters); PubMed 24473995 (cited by 4 submitters); PubMed 26801520 (cited by 4 submitters); PubMed 28251916 (cited by 5 submitters); PubMed 24957169 (cited by Labcorp Genetics (formerly Invitae), Labcorp and 3billion); PubMed 30649465 (cited by Dasa and Athena Diagnostics); PubMed 16762064 (cited by 3billion); PubMed 16835246 (cited by 3billion); PubMed 31664033 (cited by Athena Diagnostics); PubMed 29674596 (cited by Athena Diagnostics).